The following is an entry in ClinVar:

ClinVar aggregate classification (germline): Uncertain significance (1 of 4 stars; one submission).

Submission:

Labcorp Genetics (formerly Invitae), Labcorp
Classification: Uncertain significance. Last evaluated: 2025-12-28. Review status: criteria provided, single submitter. Criteria: Invitae Variant Classification Sherloc (09022015). Collection method: clinical testing. Allele origin: germline.
Comment: This sequence change replaces leucine, which is neutral and non-polar, with tryptophan, which is neutral and slightly polar, at codon 2095 of the POLE protein (p.Leu2095Trp). This variant is not present in population databases (gnomAD no frequency). This variant has not been reported in the literature in individuals affected with POLE-related conditions. Invitae Evidence Modeling of protein sequence and biophysical properties (such as structural, functional, and spatial information, amino acid conservation, physicochemical variation, residue mobility, and thermodynamic stability) indicates that this missense variant is not expected to disrupt POLE protein function with a negative predictive value of 80%. In summary, the available evidence is currently insufficient to determine the role of this variant in disease. Therefore, it has been classified as a Variant of Uncertain Significance.

NM_006231.4(POLE):c.6284T>G (p.Leu2095Trp)

Gene: POLE (DNA polymerase epsilon, catalytic subunit; minus strand). Cytogenetic location: 12q24.33.
Variant type: single nucleotide variant.
Coding change: c.6284T>G on transcript NM_006231.4 (MANE Select); coding-DNA position 6284, T replaced by G.
Protein change: p.Leu2095Trp; replaces leucine 2095 with tryptophan.
Molecular consequence: missense variant.
Genome position (GRCh38, 1-based): chr12:132,632,361, A>C on the plus strand (T>G on the coding strand, the complement: POLE is on the minus strand). VCF-style: chr12-132632361-A-C. GRCh37 (hg19) VCF-style: chr12-133208947-A-C.
Other names: short protein forms L2095W.
Identifiers: ClinVar variation 4810284 (VCV004810284.1).
Genomic context (GRCh38, chr12:132,632,361, plus strand): 5'-GCTGGCACTCTCACCTTGCACACGTATTTGATGAACTCCAGGGCAGGGTTATTGAGCAGC[A>C]AGTGGGAACCGGGGAGGACAGGAAACATCTCTGAGAGCTCAGTGGAGTTCCGAGAGCCTG-3'
Protein context (NP_006222.2, residues 2085-2105): EMFPVLPGSH[Leu2095Trp]LLNNPALEFI